The following is an entry in ClinVar:

NM_000092.5(COL4A4):c.1132T>C (p.Tyr378His)

Gene: COL4A4 (collagen type IV alpha 4 chain; minus strand). Cytogenetic location: 2q36.3.
Variant type: single nucleotide variant.
Coding change: c.1132T>C on transcript NM_000092.5 (MANE Select); coding-DNA position 1132, T replaced by C.
Protein change: p.Tyr378His; replaces tyrosine 378 with histidine.
Molecular consequence: missense variant.
Genome position (GRCh38, 1-based): chr2:227,098,766, A>G on the plus strand (T>C on the coding strand, the complement: COL4A4 is on the minus strand). VCF-style: chr2-227098766-A-G. GRCh37 (hg19) VCF-style: chr2-227963482-A-G.
Other names: short protein forms Y378H.
Identifiers: ClinVar variation 3361074 (VCV003361074.1).

ClinVar aggregate classification (germline): Uncertain significance (1 of 4 stars; one submission).

gnomAD v4.1: 3 of 1,614,072 alleles (0.00019%); highest among the groups gnomAD compares: Non-Finnish European, 0.00025%; no homozygotes.

Submission:

GeneDx
Classification: Uncertain significance. Last evaluated: 2023-07-14. Review status: criteria provided, single submitter. Criteria: GeneDx Variant Classification Process June 2021. Collection method: clinical testing. Allele origin: germline. Affected: yes.
Comment: Not observed at significant frequency in large population cohorts (gnomAD); In silico analysis supports that this missense variant does not alter protein structure/function; Occurs in the triple helical domain at the Y position in the canonical Gly-X-Y repeat; although this variant may have an effect on normal protein folding and function, missense substitution at the Y position is not a common mechanism of disease; Has not been previously published as pathogenic or benign to our knowledge